The following is an entry in ClinVar:

ClinVar aggregate classification (germline): Benign/Likely benign. Review status: criteria provided, multiple submitters, no conflicts (2 of 4 stars). 4 submissions from 4 submitters: Benign (2); Likely benign (1). 1 of the submissions does not count toward it. Last evaluated 2024-11-25.

Conditions:
ARHGAP29-related disorder. Also called: ARHGAP29-related condition; ARHGAP29-Related Disorders.

Allele frequency attached by ClinVar (database versions not stated): gnomAD exomes 0.00016 and 0.00033; ExAC 0.00040; gnomAD 0.00071 and 0.00076; TOPMed 0.00088; ESP Exome Variant Server 0.00115; 1000 Genomes Project 30x 0.00156; 1000 Genomes Project 0.00200.
gnomAD v4.1: 376 of 1,612,880 alleles (0.023%); highest among the groups gnomAD compares: Middle Eastern, 0.36%; 2 homozygotes.

Submissions (4):

Blueprint Genetics
Classification: Likely benign. Last evaluated: 2024-11-25. Review status: criteria provided, single submitter. Criteria: ACMG Guidelines, 2015. Collection method: clinical testing. Allele origin: germline.

Labcorp Genetics (formerly Invitae), Labcorp
Classification: Benign. Last evaluated: 2019-12-31. Review status: criteria provided, single submitter. Criteria: Invitae Variant Classification Sherloc (09022015). Collection method: clinical testing. Allele origin: germline.

Breakthrough Genomics
Classification: Benign. Review status: criteria provided, single submitter. Criteria: ACMG Guidelines, 2015. Collection method: not provided. Allele origin: germline. Inheritance: Unknown mechanism. Affected: yes.

PreventionGenetics, part of Exact Sciences
Classification: Likely benign for ARHGAP29-related condition. Last evaluated: 2019-06-13. Review status: no assertion criteria provided. Collection method: clinical testing. Allele origin: germline. Not counted in ClinVar's aggregate classification.
Comment: This variant is classified as likely benign based on ACMG/AMP sequence variant interpretation guidelines (Richards et al. 2015 PMID: 25741868, with internal and published modifications).

NM_004815.4(ARHGAP29):c.1773A>G (p.Ser591=)

Gene: ARHGAP29 (Rho GTPase activating protein 29; minus strand). Cytogenetic location: 1p22.1.
Variant type: single nucleotide variant.
Coding change: c.1773A>G on transcript NM_004815.4 (MANE Select); coding-DNA position 1773, A replaced by G.
Protein change: p.Ser591=; no amino-acid change (serine 591 retained).
Molecular consequence: synonymous variant.
Genome position (GRCh38, 1-based): chr1:94,186,506, T>C on the plus strand (A>G on the coding strand, the complement: ARHGAP29 is on the minus strand). VCF-style: chr1-94186506-T-C. GRCh37 (hg19) VCF-style: chr1-94652062-T-C.
Other names: c.1773A>G, p.Ser591= (NM_001328664.2); c.1581A>G, p.Ser527= (NM_001328665.2, NM_001328667.2); c.1746A>G, p.Ser582= (NM_001328666.2).
Identifiers: ClinVar variation 733875 (VCV000733875.8), dbSNP rs144875752, ClinGen allele CA959426.